The following is an entry in ClinVar:

ClinVar aggregate classification (germline): Pathogenic/Likely pathogenic. Review status: criteria provided, multiple submitters, no conflicts (2 of 4 stars). 2 submissions from 2 submitters: Pathogenic (1); Likely pathogenic (1). Last evaluated 2025-08-09.

Conditions:
Fish-eye disease (FED). Also called: ALPHA-LCAT DEFICIENCY; DYSLIPOPROTEINEMIC CORNEAL DYSTROPHY; LCATA DEFICIENCY. Identifiers: Orphanet 650, Orphanet 79292, MedGen C0342895, MONDO:0007620, OMIM 136120.
Norum disease. Also called: Familial lecithin cholesterol acyltransferase deficiency. Identifiers: Orphanet 79293, MedGen C0023195, MONDO:0009515, OMIM 245900.

gnomAD v4.1: 6 of 1,612,756 alleles (0.00037%); highest among the groups gnomAD compares: East Asian, 0.0022%; no homozygotes.

Submissions (2):

Labcorp Genetics (formerly Invitae), Labcorp
Classification: Pathogenic. Last evaluated: 2025-08-09. Review status: criteria provided, single submitter. Criteria: Invitae Variant Classification Sherloc (09022015). Collection method: clinical testing. Allele origin: germline.
Comment: This sequence change replaces alanine, which is neutral and non-polar, with threonine, which is neutral and polar, at codon 166 of the LCAT protein (p.Ala166Thr). This variant is present in population databases (rs757270498, gnomAD 0.006%). This missense change has been observed in individual(s) with lecithin cholesterol acyltransferase deficiency (PMID: 34789074, 36644204). It has also been observed to segregate with disease in related individuals. ClinVar contains an entry for this variant (Variation ID: 3581208). Invitae Evidence Modeling of protein sequence and biophysical properties (such as structural, functional, and spatial information, amino acid conservation, physicochemical variation, residue mobility, and thermodynamic stability) indicates that this missense variant is expected to disrupt LCAT protein function with a positive predictive value of 95%. For these reasons, this variant has been classified as Pathogenic.

Fulgent Genetics
Classification: Likely pathogenic for Fish-eye disease; Norum disease. Last evaluated: 2024-05-03. Review status: criteria provided, single submitter. Criteria: ACMG Guidelines, 2015. Collection method: clinical testing. Allele origin: germline.

Literature cited by the submitters: PubMed 34789074 (cited by Labcorp Genetics (formerly Invitae), Labcorp); PubMed 36644204 (cited by Labcorp Genetics (formerly Invitae), Labcorp).

NM_000229.2(LCAT):c.496G>A (p.Ala166Thr)

Gene: LCAT (lecithin-cholesterol acyltransferase; minus strand). Cytogenetic location: 16q22.1.
Variant type: single nucleotide variant.
Coding change: c.496G>A on transcript NM_000229.2 (MANE Select); coding-DNA position 496, G replaced by A.
Protein change: p.Ala166Thr; replaces alanine 166 with threonine.
Molecular consequence: missense variant.
Genome position (GRCh38, 1-based): chr16:67,942,698, C>T on the plus strand (G>A on the coding strand, the complement: LCAT is on the minus strand). VCF-style: chr16-67942698-C-T. GRCh37 (hg19) VCF-style: chr16-67976601-C-T.
Other names: short protein forms A166T.
Identifiers: ClinVar variation 3581208 (VCV003581208.2).